The following is an entry in ClinVar:

NM_001605.3(AARS1):c.1382A>G (p.Asp461Gly)

Gene: AARS1 (alanyl-tRNA synthetase 1; minus strand). Cytogenetic location: 16q22.1.
Variant type: single nucleotide variant.
Coding change: c.1382A>G on transcript NM_001605.3 (MANE Select); coding-DNA position 1382, A replaced by G.
Protein change: p.Asp461Gly; replaces aspartic acid 461 with glycine.
Molecular consequence: missense variant.
Genome position (GRCh38, 1-based): chr16:70,265,068, T>C on the plus strand (A>G on the coding strand, the complement: AARS1 is on the minus strand). VCF-style: chr16-70265068-T-C. GRCh37 (hg19) VCF-style: chr16-70298971-T-C.
Other names: short protein forms D461G.
Identifiers: ClinVar variation 2759471 (VCV002759471.3), dbSNP rs1195150104, ClinGen allele CA396561333.

ClinVar aggregate classification (germline): Uncertain significance (1 of 4 stars; one submission).

Conditions:
Charcot-Marie-Tooth disease type 2. Also called: Charcot-Marie-Tooth type 2. Identifiers: Orphanet 64746, MedGen C0270914, MONDO:0018993.

Submission:

Labcorp Genetics (formerly Invitae), Labcorp
Classification: Uncertain significance for Charcot-Marie-Tooth disease type 2. Last evaluated: 2024-02-08. Review status: criteria provided, single submitter. Criteria: Invitae Variant Classification Sherloc (09022015). Collection method: clinical testing. Allele origin: germline.
Comment: This sequence change replaces aspartic acid, which is acidic and polar, with glycine, which is neutral and non-polar, at codon 461 of the AARS protein (p.Asp461Gly). This variant is not present in population databases (gnomAD no frequency). This variant has not been reported in the literature in individuals affected with AARS-related conditions. An algorithm developed to predict the effect of missense changes on protein structure and function (PolyPhen-2) suggests that this variant is likely to be tolerated. In summary, the available evidence is currently insufficient to determine the role of this variant in disease. Therefore, it has been classified as a Variant of Uncertain Significance.